The following is an entry in ClinVar:

NM_173648.4(CCDC141):c.2206-9A>G

Gene: CCDC141 (coiled-coil domain containing 141; minus strand). Cytogenetic location: 2q31.2.
Variant type: single nucleotide variant.
Coding change: c.2206-9A>G on transcript NM_173648.4 (MANE Select); 9 bases into the intron before coding-DNA position 2206, A replaced by G.
Molecular consequence: intron variant.
Genome position (GRCh38, 1-based): chr2:178,869,314, T>C on the plus strand (A>G on the coding strand, the complement: CCDC141 is on the minus strand). VCF-style: chr2-178869314-T-C. GRCh37 (hg19) VCF-style: chr2-179734041-T-C.
Identifiers: ClinVar variation 4847934 (VCV004847934.1).
Genomic context (GRCh38, chr2:178,869,314, plus strand): 5'-CAGTTAACTCCTCTGATTCTTTCATAATGTACTGAACCTCATCATTCAATTGCTAAAACA[T>C]TGAAAGCAATAAAAAAATCTTGCTATTAAAGAACTTTTTTACTTTACAACTGACAATATA-3'

ClinVar aggregate classification (germline): Uncertain significance (1 of 4 stars; one submission).

gnomAD v4.1: 24 of 1,563,498 alleles (0.0015%); highest among the groups gnomAD compares: Admixed American, 0.0042%; no homozygotes.

Submission:

Women's Health and Genetics/Laboratory Corporation of America, LabCorp
Classification: Uncertain significance. Last evaluated: 2026-02-27. Review status: criteria provided, single submitter. Criteria: LabCorp Variant Classification Summary - May 2015. Collection method: clinical testing. Allele origin: germline.
Comment: Variant summary: CCDC141 c.2206-9A>G alters a nucleotide located at a position not widely known to affect splicing. Several computational tools predict a significant impact on normal splicing: Five predict the variant creates a cryptic 3' acceptor site. Two predict the variant abolishes a 3' acceptor site. Two predict the variant weakens a 3' acceptor site. However, these predictions have yet to be confirmed by functional studies. The variant allele was found at a frequency of 9.8e-06 in 204364 control chromosomes. The available data on variant occurrences in the general population are insufficient to allow any conclusion about variant significance. To our knowledge, no occurrence of c.2206-9A>G in individuals affected with CCDC141-related conditions and no experimental evidence demonstrating its impact on protein function have been reported. No submitters have cited clinical-significance assessments for this variant to ClinVar. Based on the evidence outlined above, the variant was classified as uncertain significance.